The following is an entry in ClinVar:

ClinVar aggregate classification (germline): Uncertain significance (1 of 4 stars; one submission).

Submission:

GeneDx
Classification: Uncertain significance. Last evaluated: 2023-12-11. Review status: criteria provided, single submitter. Criteria: GeneDx Variant Classification Process June 2021. Collection method: clinical testing. Allele origin: germline. Affected: yes.
Comment: Not observed at significant frequency in large population cohorts (gnomAD); In silico analysis supports that this missense variant has a deleterious effect on protein structure/function; In silico analysis suggests this variant may impact gene splicing. In the absence of RNA/functional studies, the actual effect of this sequence change is unknown.; Has not been previously published as pathogenic or benign to our knowledge

NM_000937.5(POLR2A):c.3940A>G (p.Thr1314Ala)

Genes: POLR2A (RNA polymerase II subunit A; plus strand), LOC126862482 (CDK7 strongly-dependent group 2 enhancer GRCh37_chr17:7414586-7415785; plus strand). Cytogenetic location: 17p13.1.
Variant type: single nucleotide variant.
Coding change: c.3940A>G on transcript NM_000937.5 (MANE Select); coding-DNA position 3940, A replaced by G.
Protein change: p.Thr1314Ala; replaces threonine 1314 with alanine.
Molecular consequence: missense variant.
Genome position (GRCh38, 1-based): chr17:7,511,427, A>G. VCF-style: chr17-7511427-A-G. GRCh37 (hg19) VCF-style: chr17-7414746-A-G.
Other names: short protein forms T1314A.
Identifiers: ClinVar variation 3253273 (VCV003253273.1), dbSNP rs2508188472.